The following is an entry in ClinVar:

ClinVar aggregate classification (germline): Uncertain significance (1 of 4 stars; one submission).

Conditions:
Hereditary cancer-predisposing syndrome. Also called: Neoplastic Syndromes, Hereditary; Tumor predisposition; Hereditary Cancer Syndrome; Hereditary neoplastic syndrome. Identifiers: Orphanet 140162, MedGen C0027672, MeSH D009386, MONDO:0015356.

Submission:

Color Diagnostics, LLC DBA Color Health
Classification: Uncertain significance for Hereditary cancer-predisposing syndrome. Last evaluated: 2023-07-01. Review status: criteria provided, single submitter. Criteria: ACMG Guidelines, 2015. Collection method: clinical testing. Allele origin: germline.
Comment: The CDKN2A locus encodes two different gene products, p16INK4a and p14ARF. This missense variant replaces arginine with leucine at codon 128 of the CDKN2A (p16INK4A) protein. Computational prediction suggests that this variant may not impact protein structure and function (internally defined REVEL score threshold <= 0.5, PMID: 27666373). To our knowledge, functional studies have not been reported for this variant. This variant has not been reported in individuals affected with CDKN2A-related disorders in the literature. This variant has not been identified in the general population by the Genome Aggregation Database (gnomAD). The available evidence is insufficient to determine the role of this variant in disease conclusively. Therefore, this variant is classified as a Variant of Uncertain Significance.

NM_000077.5(CDKN2A):c.383G>T (p.Arg128Leu)

Gene: CDKN2A (cyclin dependent kinase inhibitor 2A; minus strand). Cytogenetic location: 9p21.3.
Variant type: single nucleotide variant.
Coding change: c.383G>T on transcript NM_000077.5; coding-DNA position 383, G replaced by T.
Protein change: p.Arg128Leu; replaces arginine 128 with leucine.
Molecular consequence: missense variant (on NM_000077.6). On other transcripts: 3 prime UTR variant (2).
Genome position (GRCh38, 1-based): chr9:21,970,976, C>A on the plus strand (G>T on the coding strand, the complement: CDKN2A is on the minus strand). VCF-style: chr9-21970976-C-A. GRCh37 (hg19) VCF-style: chr9-21970975-C-A.
Other names: c.383G>T, p.Arg128Leu (NM_000077.6, NM_001195132.2); c.230G>T, p.Arg77Leu (NM_001363763.2); c.*27G>T (NM_058195.4); c.*306G>T (NM_058197.5); short protein forms R128L, R77L.
Identifiers: ClinVar variation 3893926 (VCV003893926.1).